The following is an entry in ClinVar:

ClinVar aggregate classification (germline): Uncertain significance (1 of 4 stars; one submission).

gnomAD v4.1: 19 of 1,609,422 alleles (0.0012%); highest among the groups gnomAD compares: Non-Finnish European, 0.0016%; no homozygotes.

Submission:

Women's Health and Genetics/Laboratory Corporation of America, LabCorp
Classification: Uncertain significance. Last evaluated: 2026-04-08. Review status: criteria provided, single submitter. Criteria: LabCorp Variant Classification Summary - May 2015. Collection method: clinical testing. Allele origin: germline.
Comment: Variant summary: MYH9 c.2636T>C (p.Met879Thr) results in a non-conservative amino acid change in the encoded protein sequence. Algorithms developed to predict the effect of missense changes on protein structure and function are either unavailable or do not agree on the potential impact of this missense change. The variant allele was found at a frequency of 8.1e-06 in 247052 control chromosomes. The available data on variant occurrences in the general population are insufficient to allow any conclusion about variant significance. To our knowledge, no occurrence of c.2636T>C in individuals affected with MYH9-related conditions and no experimental evidence demonstrating its impact on protein function have been reported. No submitters have cited clinical-significance assessments for this variant to ClinVar. Based on the evidence outlined above, the variant was classified as uncertain significance.

NM_002473.6(MYH9):c.2636T>C (p.Met879Thr)

Genes: MYH9 (myosin heavy chain 9; minus strand), LOC126863137 (CDK7 strongly-dependent group 2 enhancer GRCh37_chr22:36696002-36697201; plus strand). Cytogenetic location: 22q12.3.
Variant type: single nucleotide variant.
Coding change: c.2636T>C on transcript NM_002473.6 (MANE Select); coding-DNA position 2636, T replaced by C.
Protein change: p.Met879Thr; replaces methionine 879 with threonine.
Molecular consequence: missense variant.
Genome position (GRCh38, 1-based): chr22:36,301,053, A>G on the plus strand (T>C on the coding strand, the complement: MYH9 is on the minus strand). VCF-style: chr22-36301053-A-G. GRCh37 (hg19) VCF-style: chr22-36697099-A-G.
Other names: short protein forms M879T.
Identifiers: ClinVar variation 4848764 (VCV004848764.1).